The following is an entry in ClinVar:

NM_000093.5(COL5A1):c.-37G>A

Gene: COL5A1 (collagen type V alpha 1 chain; plus strand). Cytogenetic location: 9q34.3.
Variant type: single nucleotide variant.
Coding change: c.-37G>A on transcript NM_000093.5 (MANE Select); 37 bases upstream of the start codon, G replaced by A.
Molecular consequence: 5 prime UTR variant.
Genome position (GRCh38, 1-based): chr9:134,642,151, G>A. VCF-style: chr9-134642151-G-A. GRCh37 (hg19) VCF-style: chr9-137533997-G-A.
Other names: c.-37G>A (NM_001278074.1).
Identifiers: ClinVar variation 136921 (VCV000136921.16), dbSNP rs374979485, ClinGen allele CA290339.

ClinVar aggregate classification (germline): Benign/Likely benign. Review status: criteria provided, multiple submitters, no conflicts (2 of 4 stars). 6 submissions from 5 submitters: Benign (5); Likely benign (1). Last evaluated 2023-11-11.

Conditions:
Fibromuscular dysplasia, multifocal. Identifiers: MedGen C5543412, MONDO:0859151, OMIM 619329.
Ehlers-Danlos syndrome, classic type (cEDS). Identifiers: Orphanet 287, MedGen C4225429, MONDO:0007522.
Ehlers-Danlos syndrome, classic type, 1 (EDSCL1). Also called: Ehlers-Danlos syndrome, type 1; Ehlers-Danlos Syndrome, Classic Type, COL5A1-Related; EDS I; EHLERS-DANLOS SYNDROME, GRAVIS TYPE; EHLERS-DANLOS SYNDROME, SEVERE CLASSIC TYPE. Identifiers: MedGen C0268335, MONDO:0019567, OMIM 130000.

Allele frequency attached by ClinVar (database versions not stated): gnomAD 0.00508 and 0.00577; 1000 Genomes Project 0.01298; gnomAD exomes 0.00538; 1000 Genomes Project 30x 0.01359; ExAC below 0.00001; TOPMed 0.00788.
gnomAD v4.1: 2,818 of 1,238,864 alleles (0.23%); highest among the groups gnomAD compares: East Asian, 4.8%; 58 homozygotes.

Submissions (6):

ARUP Laboratories, Molecular Genetics and Genomics, ARUP Laboratories
Classification: Benign. Last evaluated: 2023-11-11. Review status: criteria provided, single submitter. Criteria: ARUP Molecular Germline Variant Investigation Process 2024. Collection method: clinical testing. Allele origin: germline.

Genome-Nilou Lab
Classification: Benign for Ehlers-Danlos syndrome, classic type, 1. Last evaluated: 2022-03-15. Review status: criteria provided, single submitter. Criteria: ACMG Guidelines, 2015. Collection method: clinical testing. Allele origin: germline. Affected: no.

Genome-Nilou Lab
Classification: Benign for Fibromuscular dysplasia, multifocal. Last evaluated: 2022-03-15. Review status: criteria provided, single submitter. Criteria: ACMG Guidelines, 2015. Collection method: clinical testing. Allele origin: germline. Affected: no.

Illumina Laboratory Services, Illumina
Classification: Benign for Ehlers-Danlos syndrome, classic type, 1. Last evaluated: 2018-01-12. Review status: criteria provided, single submitter. Criteria: ICSL Variant Classification Criteria 13 December 2019. Collection method: clinical testing. Allele origin: germline.
Comment: This variant was observed in the ICSL laboratory as part of a predisposition screen in an ostensibly healthy population. It had not been previously curated by ICSL or reported in the Human Gene Mutation Database (HGMD: prior to June 1st, 2018), and was therefore a candidate for classification through an automated scoring system. Utilizing variant allele frequency, disease prevalence and penetrance estimates, and inheritance mode, an automated score was calculated to assess if this variant is too frequent to cause the disease. Based on the score and internal cut-off values, a variant classified as benign is not then subjected to further curation. The score for this variant resulted in a classification of benign for this disease.

GeneDx
Classification: Benign. Last evaluated: 2013-07-25. Review status: criteria provided, single submitter. Criteria: GeneDx Variant Classification (06012015). Collection method: clinical testing. Allele origin: germline. Affected: yes.
Comment: This variant is considered likely benign or benign based on one or more of the following criteria: it is a conservative change, it occurs at a poorly conserved position in the protein, it is predicted to be benign by multiple in silico algorithms, and/or has population frequency not consistent with disease.

Breakthrough Genomics
Classification: Likely benign. Review status: criteria provided, single submitter. Criteria: ACMG Guidelines, 2015. Collection method: not provided. Allele origin: germline. Inheritance: Autosomal dominant inheritance. Affected: yes.